The following is an entry in ClinVar:

NM_201384.3(PLEC):c.2508G>A (p.Pro836=)

Gene: PLEC (plectin; minus strand). Cytogenetic location: 8q24.3.
Variant type: single nucleotide variant.
Coding change: c.2508G>A on transcript NM_201384.3 (MANE Select); coding-DNA position 2508, G replaced by A.
Protein change: p.Pro836=; no amino-acid change (proline 836 retained).
Molecular consequence: synonymous variant.
Genome position (GRCh38, 1-based): chr8:143,930,248, C>T on the plus strand (G>A on the coding strand, the complement: PLEC is on the minus strand). VCF-style: chr8-143930248-C-T. GRCh37 (hg19) VCF-style: chr8-145004416-C-T.
Other names: c.2589G>A, p.Pro863= (NM_000445.5); c.2466G>A, p.Pro822= (NM_201378.4); c.2442G>A, p.Pro814= (NM_201379.3); c.2919G>A, p.Pro973= (NM_201380.4); c.2412G>A, p.Pro804= (NM_201381.3); c.2508G>A, p.Pro836= (NM_201382.4); c.2520G>A, p.Pro840= (NM_201383.3).
Identifiers: ClinVar variation 385709 (VCV000385709.19), dbSNP rs116385960, ClinGen allele CA4927491.

ClinVar aggregate classification (germline): Benign/Likely benign. Review status: criteria provided, multiple submitters, no conflicts (2 of 4 stars). 6 submissions from 6 submitters: Benign (2); Likely benign (3). 1 of the submissions does not count toward it. Last evaluated 2025-12-21.

Conditions:
Epidermolysis bullosa simplex with nail dystrophy (EBS5D). Identifiers: MedGen C4225309, MONDO:0014661, OMIM 616487.
Autosomal recessive limb-girdle muscular dystrophy type 2Q (LGMDR17). Also called: MUSCULAR DYSTROPHY, LIMB-GIRDLE, AUTOSOMAL RECESSIVE 17. Identifiers: Orphanet 254361, MedGen C3150989, MONDO:0013390, OMIM 613723.
Epidermolysis bullosa simplex, Ogna type (EBS5A). Also called: Pidermolysis bullosa simplex 5A, Ogna type; EPIDERMOLYSIS BULLOSA SIMPLEX 5A, OGNA TYPE. Identifiers: Orphanet 79401, MedGen C0432317, MONDO:0007555, OMIM 131950.
Epidermolysis bullosa simplex 5B, with muscular dystrophy (EBS5B). Also called: Epidermolysis bullosa simplex with muscular dystrophy; EPIDERMOLYSIS BULLOSA SIMPLEX AND LIMB-GIRDLE MUSCULAR DYSTROPHY. Identifiers: Orphanet 257, MedGen C2931072, MONDO:0009181, OMIM 226670.
Epidermolysis bullosa simplex 5C, with pyloric atresia (EBS5C). Also called: PLEC-Related Epidermolysis Bullosa with Pyloric Atresia; Epidermolysis bullosa simplex with pyloric atresia; PLEC1-Related Epidermolysis Bullosa with Pyloric Atresia. Identifiers: Orphanet 158684, MedGen C2677349, MONDO:0012807, OMIM 612138.
PLEC-related disorder. Also called: PLEC-related disorders; PLEC-related condition.

Allele frequency attached by ClinVar (database versions not stated): gnomAD exomes 0.00016; ExAC 0.00026; 1000 Genomes Project 0.00040; ESP Exome Variant Server 0.00063; TOPMed 0.00078; gnomAD 0.00083 and 0.00086; 1000 Genomes Project 30x 0.00094.
gnomAD v4.1: 232 of 1,598,834 alleles (0.015%); highest among the groups gnomAD compares: African/African-American, 0.26%; no homozygotes.

Submissions (6):

Labcorp Genetics (formerly Invitae), Labcorp
Classification: Benign for Autosomal recessive limb-girdle muscular dystrophy type 2Q; Epidermolysis bullosa simplex, Ogna type; Epidermolysis bullosa simplex with nail dystrophy; Epidermolysis bullosa simplex 5C, with pyloric atresia; Epidermolysis bullosa simplex 5B, with muscular dystrophy. Last evaluated: 2025-12-21. Review status: criteria provided, single submitter. Criteria: Invitae Variant Classification Sherloc (09022015). Collection method: clinical testing. Allele origin: germline.

CeGaT Center for Human Genetics Tuebingen
Classification: Likely benign. Last evaluated: 2025-12-01. Review status: criteria provided, single submitter. Criteria: CeGaT Center For Human Genetics Tuebingen Variant Classification Criteria Version 2. Collection method: clinical testing. Allele origin: germline. Affected: yes. Observed: 1 variant allele.
Comment: PLEC: BP4, BP7

Blueprint Genetics
Classification: Likely benign. Last evaluated: 2023-12-29. Review status: criteria provided, single submitter. Criteria: ACMG Guidelines, 2015. Collection method: clinical testing. Allele origin: germline.

GeneDx
Classification: Likely benign. Last evaluated: 2021-05-26. Review status: criteria provided, single submitter. Criteria: GeneDx Variant Classification Process June 2021. Collection method: clinical testing. Allele origin: germline. Affected: yes.

Athena Diagnostics
Classification: Benign. Last evaluated: 2016-11-21. Review status: criteria provided, single submitter. Criteria: Athena Diagnostics Criteria. Collection method: clinical testing. Allele origin: germline.

PreventionGenetics, part of Exact Sciences
Classification: Likely benign for PLEC-related condition. Last evaluated: 2019-03-05. Review status: no assertion criteria provided. Collection method: clinical testing. Allele origin: germline. Not counted in ClinVar's aggregate classification.
Comment: This variant is classified as likely benign based on ACMG/AMP sequence variant interpretation guidelines (Richards et al. 2015 PMID: 25741868, with internal and published modifications).